The following is an entry in ClinVar:

NM_001365536.1(SCN9A):c.5443A>C (p.Ile1815Leu)

Genes: SCN1A-AS1 (SCN1A and SCN9A antisense RNA 1; plus strand), SCN9A (sodium voltage-gated channel alpha subunit 9; minus strand). Cytogenetic location: 2q24.3.
Variant type: single nucleotide variant.
Coding change: c.5443A>C on transcript NM_001365536.1 (MANE Select); coding-DNA position 5443, A replaced by C.
Protein change: p.Ile1815Leu; replaces isoleucine 1815 with leucine.
Molecular consequence: missense variant.
Genome position (GRCh38, 1-based): chr2:166,199,196, T>G on the plus strand (A>C on the coding strand, the complement: SCN9A is on the minus strand). VCF-style: chr2-166199196-T-G. GRCh37 (hg19) VCF-style: chr2-167055706-T-G.
Other names: c.5410A>C, p.Ile1804Leu (NM_002977.4); short protein forms I1815L, I1804L.
Identifiers: ClinVar variation 1507426 (VCV001507426.8), dbSNP rs750503411, ClinGen allele CA1943678.

ClinVar aggregate classification (germline): Uncertain significance (1 of 4 stars; one submission).

Conditions:
Neuropathy, hereditary sensory and autonomic, type 2A (HSAN2A). Also called: WNK1-Related HSAN2 (HSAN2A); NEUROPATHY, CONGENITAL SENSORY; NEUROPATHY, HEREDITARY SENSORY RADICULAR, AUTOSOMAL RECESSIVE; NEUROPATHY, HEREDITARY SENSORY, TYPE IIA; NEUROPATHY, PROGRESSIVE SENSORY, OF CHILDREN; HSAN IIA. Identifiers: Orphanet 970, MedGen C2752089, MONDO:0024309, OMIM 201300.
Generalized epilepsy with febrile seizures plus, type 7 (GEFSP7). Also called: GEFS+, TYPE 7. Identifiers: Orphanet 36387, MedGen C2751778, MONDO:0013470, OMIM 613863.

Allele frequency attached by ClinVar (database versions not stated): gnomAD exomes below 0.00001; TOPMed below 0.00001; ExAC 0.00001; gnomAD 0.00001.
gnomAD v4.1: 1 of 1,614,066 alleles (0.000062%); highest among the groups gnomAD compares: African/African-American, 0.0013%; no homozygotes.

Submission:

Labcorp Genetics (formerly Invitae), Labcorp
Classification: Uncertain significance for Neuropathy, hereditary sensory and autonomic, type 2A; Generalized epilepsy with febrile seizures plus, type 7. Last evaluated: 2022-08-09. Review status: criteria provided, single submitter. Criteria: Invitae Variant Classification Sherloc (09022015). Collection method: clinical testing. Allele origin: germline.
Comment: This variant has not been reported in the literature in individuals affected with SCN9A-related conditions. This variant is present in population databases (rs750503411, gnomAD 0.006%). This sequence change replaces isoleucine, which is neutral and non-polar, with leucine, which is neutral and non-polar, at codon 1804 of the SCN9A protein (p.Ile1804Leu). In summary, the available evidence is currently insufficient to determine the role of this variant in disease. Therefore, it has been classified as a Variant of Uncertain Significance. Algorithms developed to predict the effect of missense changes on protein structure and function are either unavailable or do not agree on the potential impact of this missense change (SIFT: "Deleterious"; PolyPhen-2: "Benign"; Align-GVGD: "Class C0"). ClinVar contains an entry for this variant (Variation ID: 1507426).